The following is an entry in ClinVar:

ClinVar aggregate classification (germline): Uncertain significance. Review status: criteria provided, multiple submitters, no conflicts (2 of 4 stars). 3 submissions from 3 submitters: Uncertain significance (3). Last evaluated 2025-07-16.

Conditions:
Hereditary cancer-predisposing syndrome. Also called: Neoplastic Syndromes, Hereditary; Tumor predisposition; Hereditary neoplastic syndrome; Hereditary Cancer Syndrome. Identifiers: Orphanet 140162, MedGen C0027672, MeSH D009386, MONDO:0015356.
Familial adenomatous polyposis 1 (FAP1). Also called: POLYPOSIS, ADENOMATOUS INTESTINAL; FAMILIAL ADENOMATOUS POLYPOSIS 1, ATTENUATED. Identifiers: MedGen C2713442, MONDO:0021056, OMIM 175100. Disease mechanism: loss of function.

Submissions (3):

Ambry Genetics
Classification: Uncertain significance for Hereditary cancer-predisposing syndrome. Last evaluated: 2025-07-16. Review status: criteria provided, single submitter. Criteria: Ambry Variant Classification Scheme 2023. Collection method: clinical testing. Allele origin: germline.
Comment: The p.S2552G variant (also known as c.7654A>G), located in coding exon 15 of the APC gene, results from an A to G substitution at nucleotide position 7654. The serine at codon 2552 is replaced by glycine, an amino acid with similar properties. This amino acid position is conserved. In addition, in silico predictors for this gene do not accurately predict pathogenicity. Based on the available evidence, the clinical significance of this variant remains unclear.

Baylor Genetics
Classification: Uncertain significance for Familial adenomatous polyposis 1. Last evaluated: 2023-12-26. Review status: criteria provided, single submitter. Criteria: ACMG Guidelines, 2015. Collection method: clinical testing. Allele origin: unknown.

Color Diagnostics, LLC DBA Color Health
Classification: Uncertain significance for Hereditary cancer-predisposing syndrome. Last evaluated: 2023-02-17. Review status: criteria provided, single submitter. Criteria: ACMG Guidelines, 2015. Collection method: clinical testing. Allele origin: germline.
Comment: This missense variant replaces serine with glycine at codon 2552 of the APC protein. Computational prediction suggests that this variant may not impact protein structure and function (internally defined REVEL score threshold <= 0.5, PMID: 27666373). To our knowledge, functional studies have not been reported for this variant. This variant has not been reported in individuals affected with APC-related disorders in the literature. This variant has not been identified in the general population by the Genome Aggregation Database (gnomAD). The available evidence is insufficient to determine the role of this variant in disease conclusively. Therefore, this variant is classified as a Variant of Uncertain Significance.

NM_000038.6(APC):c.7654A>G (p.Ser2552Gly)

Gene: APC (APC regulator of Wnt signaling pathway; plus strand). Cytogenetic location: 5q22.2.
Variant type: single nucleotide variant.
Coding change: c.7654A>G on transcript NM_000038.6 (MANE Select); coding-DNA position 7654, A replaced by G.
Protein change: p.Ser2552Gly; replaces serine 2552 with glycine.
Molecular consequence: missense variant.
Genome position (GRCh38, 1-based): chr5:112,843,248, A>G. VCF-style: chr5-112843248-A-G. GRCh37 (hg19) VCF-style: chr5-112178945-A-G.
Other names: c.7654A>G, p.Ser2552Gly (NM_001127510.3, NM_001354895.2); c.7600A>G, p.Ser2534Gly (NM_001127511.3); c.7708A>G, p.Ser2570Gly (NM_001354896.2); c.7684A>G, p.Ser2562Gly (NM_001354897.2); c.7579A>G, p.Ser2527Gly (NM_001354898.2); c.7570A>G, p.Ser2524Gly (NM_001354899.2); c.7531A>G, p.Ser2511Gly (NM_001354900.2); c.7477A>G, p.Ser2493Gly (NM_001354901.2); and 5 more; short protein forms S2552G, S2534G, S2562G, S2451G, S2527G, S2570G, S2269G, S2493G.
Identifiers: ClinVar variation 628704 (VCV000628704.7), dbSNP rs1554088567, ClinGen allele CA16037959.